The following is an entry in ClinVar:

ClinVar aggregate classification (germline): Likely pathogenic (1 of 4 stars; one submission).

Conditions:
Tay-Sachs disease (TSD). Also called: GM2 gangliosidosis, type 1; Hexosaminidase alpha-subunit deficiency (variant B); Sphingolipidosis, Tay-Sachs; Hexosaminidase A Deficiency; HEXA DEFICIENCY; HEXA Disorders. Identifiers: Orphanet 845, MedGen C0039373, MONDO:0010100, OMIM 272800.

Submission:

Myriad Genetics, Inc.
Classification: Likely pathogenic for Tay-Sachs disease. Last evaluated: 2022-02-12. Review status: criteria provided, single submitter. Criteria: Myriad Women's Health Autosomal Recessive and X-Linked Classification Criteria (2021). Collection method: clinical testing. Allele origin: unknown.
Comment: NM_000520.4(HEXA):c.609G>A(W203*) is expected to be pathogenic in the context of hexosaminidase A deficiency. This variant is predicted to lead to an abnormal or absent protein product due to the creation of a premature termination codon in HEXA, a gene where loss-of-function variants are known to be pathogenic. Please note: this variant was assessed in the context of healthy population screening.

NM_000520.6(HEXA):c.609G>A (p.Trp203Ter)

Gene: HEXA (hexosaminidase subunit alpha; minus strand). Cytogenetic location: 15q23.
Variant type: single nucleotide variant.
Coding change: c.609G>A on transcript NM_000520.6 (MANE Select); coding-DNA position 609, G replaced by A.
Protein change: p.Trp203Ter; replaces tryptophan 203 with a stop codon.
Molecular consequence: nonsense. On other transcripts: non-coding transcript variant (1).
Genome position (GRCh38, 1-based): chr15:72,351,196, C>T on the plus strand (G>A on the coding strand, the complement: HEXA is on the minus strand). VCF-style: chr15-72351196-C-T. GRCh37 (hg19) VCF-style: chr15-72643537-C-T.
Other names: c.642G>A, p.Trp214Ter (NM_001318825.2); short protein forms W203*, W214*.
Identifiers: ClinVar variation 1724411 (VCV001724411.2), dbSNP rs2542528224, ClinGen allele CA393063677.